The following is an entry in ClinVar:

ClinVar aggregate classification (germline): Uncertain significance. Review status: criteria provided, multiple submitters, no conflicts (2 of 4 stars). 2 submissions from 2 submitters: Uncertain significance (2). Last evaluated 2024-10-03.

Conditions:
Hereditary cancer-predisposing syndrome. Also called: Tumor predisposition; Neoplastic Syndromes, Hereditary; Hereditary Cancer Syndrome; Hereditary neoplastic syndrome. Identifiers: Orphanet 140162, MedGen C0027672, MeSH D009386, MONDO:0015356.
Tumor predisposition syndrome 3 (TPDS3). Also called: Melanoma, cutaneous malignant, susceptibility to, 10; Glioma susceptibility 9; LONG TELOMERE SYNDROME, POT1-RELATED; POT1 Tumor Predisposition. Identifiers: Orphanet 618, MedGen C4014476, MONDO:0014368, OMIM 615848.

Allele frequency attached by ClinVar (database versions not stated): gnomAD 0.00001.

Submissions (2):

Labcorp Genetics (formerly Invitae), Labcorp
Classification: Uncertain significance for Tumor predisposition syndrome 3. Last evaluated: 2024-10-03. Review status: criteria provided, single submitter. Criteria: Invitae Variant Classification Sherloc (09022015). Collection method: clinical testing. Allele origin: germline.
Comment: This sequence change replaces threonine, which is neutral and polar, with alanine, which is neutral and non-polar, at codon 7 of the POT1 protein (p.Thr7Ala). This variant is not present in population databases (gnomAD no frequency). This variant has not been reported in the literature in individuals affected with POT1-related conditions. ClinVar contains an entry for this variant (Variation ID: 656165). Invitae Evidence Modeling of protein sequence and biophysical properties (such as structural, functional, and spatial information, amino acid conservation, physicochemical variation, residue mobility, and thermodynamic stability) indicates that this missense variant is not expected to disrupt POT1 protein function with a negative predictive value of 80%. In summary, the available evidence is currently insufficient to determine the role of this variant in disease. Therefore, it has been classified as a Variant of Uncertain Significance.

Ambry Genetics
Classification: Uncertain significance for Hereditary cancer-predisposing syndrome. Last evaluated: 2024-07-06. Review status: criteria provided, single submitter. Criteria: Ambry Variant Classification Scheme 2023. Collection method: clinical testing. Allele origin: germline.
Comment: The p.T7A variant (also known as c.19A>G), located in coding exon 2 of the POT1 gene, results from an A to G substitution at nucleotide position 19. The threonine at codon 7 is replaced by alanine, an amino acid with similar properties. This amino acid position is not well conserved in available vertebrate species. In addition, this alteration is predicted to be tolerated by in silico analysis. Since supporting evidence is limited at this time, the clinical significance of this alteration remains unclear.

NM_015450.3(POT1):c.19A>G (p.Thr7Ala)

Gene: POT1 (protection of telomeres 1; minus strand). Cytogenetic location: 7q31.33.
Variant type: single nucleotide variant.
Coding change: c.19A>G on transcript NM_015450.3 (MANE Select); coding-DNA position 19, A replaced by G.
Protein change: p.Thr7Ala; replaces threonine 7 with alanine.
Molecular consequence: missense variant. On other transcripts: 5 prime UTR variant (1), non-coding transcript variant (3).
Genome position (GRCh38, 1-based): chr7:124,892,371, T>C on the plus strand (A>G on the coding strand, the complement: POT1 is on the minus strand). VCF-style: chr7-124892371-T-C. GRCh37 (hg19) VCF-style: chr7-124532425-T-C.
Other names: c.-244A>G (NM_001042594.2); short protein forms T7A.
Identifiers: ClinVar variation 656165 (VCV000656165.13), dbSNP rs1584792050, ClinGen allele CA369066309.